The following is an entry in ClinVar:

NM_000781.3(CYP11A1):c.762_763del (p.Phe255fs)

Gene: CYP11A1 (cytochrome P450 family 11 subfamily A member 1; minus strand). Cytogenetic location: 15q24.1.
Variant type: Deletion.
Coding change: c.762_763del on transcript NM_000781.3 (MANE Select); coding-DNA positions 762 to 763, 2 bases deleted (GT; older notation c.762_763delGT).
Protein change: p.Phe255fs; shifts the reading frame from phenylalanine 255.
Molecular consequence: frameshift variant.
Genome position (GRCh38, 1-based): chr15:74,343,855-74,343,856, AC deleted on the plus strand (GT on the coding strand, the reverse complement: CYP11A1 is on the minus strand); deleting any 2 consecutive bases within chr15:74,343,855-74,343,857 gives the same sequence; the c. name uses the placement nearest the transcript's 3' end. VCF-style (leftmost placement, unchanged base first): chr15-74343854-AAC-A. GRCh37 (hg19) VCF-style: chr15-74636195-AAC-A.
Other names: c.288_289del, p.Phe97fs (NM_001099773.2); short protein forms F255fs, F97fs.
Identifiers: ClinVar variation 5014363 (VCV005014363.1).

ClinVar aggregate classification (germline): Pathogenic (1 of 4 stars; one submission).

Conditions:
Congenital adrenal insufficiency with 46, XY sex reversal OR 46,XY disorder of sex development-adrenal insufficiency due to CYP11A1 deficiency. Also called: P450scc DEFICIENCY; Congenital adrenal insuffiency with 46, XY sex reversal OR 46,XY disorder of sex development-adrenal insufficiency due to CYP11A1 deficiency. Identifiers: Orphanet 168558, MedGen C3151055, MONDO:0013400, OMIM 613743.

Submission:

Myriad Genetics, Inc.
Classification: Pathogenic for Congenital adrenal insufficiency with 46, XY sex reversal OR 46,XY disorder of sex development-adrenal insufficiency due to CYP11A1 deficiency. Last evaluated: 2025-04-30. Review status: criteria provided, single submitter. Criteria: Myriad Autosomal Dominant, Autosomal Recessive and X-Linked Classification Criteria (2023). Collection method: clinical testing. Allele origin: unknown.
Comment: NM_000781.2(CYP11A1):c.762_763delGT(F255Pfs*21) is expected to be pathogenic in the context of congenital adrenal hyperplasia, CYP11A1-related. This variant is predicted to lead to an abnormal or absent protein product due to the creation of a premature termination codon in CYP11A1, a gene where loss-of-function variants are known to be pathogenic. Please note: this variant was assessed in the context of healthy population screening.